The following is an entry in ClinVar:

ClinVar aggregate classification (germline): Uncertain significance (1 of 4 stars; one submission).

Submission:

GeneDx
Classification: Uncertain significance. Last evaluated: 2014-09-23. Review status: criteria provided, single submitter. Criteria: GeneDx Variant Classification (06012015). Collection method: clinical testing. Allele origin: germline. Affected: yes.
Comment: p.Ser3744Ter (TCA>TGA): c.11231 C>G in exon 46 of the TTN gene (#NM_001267550.1) A variant of unknown significance has been identified in the TTN gene. The S3744X variant in the TTN gene has not been reported as a disease-causing mutation or as a benign polymorphism to our knowledge. The S3744X variant was not observed in approximately 6,100 individuals of European and African American ancestry in the NHLBI Exome Sequencing Project, indicating it is not a common benign variant in these populations. S3744X is predicted to cause loss of normal protein function either by protein truncation or nonsense-mediated mRNA decay. However, the S3744X variant resides in an inferred transcript that includes all possible supported in-frame coding exons. The expression pattern of this transcript is unknown. This variant maps to deep intronic regions in the major cardiac titin isoforms (N2BA; NM_001256850 and N2-B; NM_003319). Therefore, based on the currently available information, it is unclear whether this variant is a pathogenic mutation or a rare benign variant.The variant is found in DCM-CRDM panel(s).

NM_001267550.2(TTN):c.11231C>G (p.Ser3744Ter)

Gene: TTN (titin; minus strand). Cytogenetic location: 2q31.2.
Variant type: single nucleotide variant.
Coding change: c.11231C>G on transcript NM_001267550.2 (MANE Select); coding-DNA position 11231, C replaced by G.
Protein change: p.Ser3744Ter; replaces serine 3744 with a stop codon.
Molecular consequence: nonsense. On other transcripts: intron variant (5).
Genome position (GRCh38, 1-based): chr2:178,756,245, G>C on the plus strand (C>G on the coding strand, the complement: TTN is on the minus strand). VCF-style: chr2-178756245-G-C. GRCh37 (hg19) VCF-style: chr2-179620972-G-C.
Other names: p.S3744*:TCA>TGA; c.10718C>G, p.Ser3573Ter (NM_133437.4); c.10165+2739C>G (NM_003319.4); c.10540+1297C>G (NM_133432.3); c.10303+2739C>G (NM_133378.4, NM_001256850.1, NM_133379.5); short protein forms S3744*, S3573*.
Identifiers: ClinVar variation 202532 (VCV000202532.2), dbSNP rs794729387, ClinGen allele CA309529.